The following is an entry in ClinVar:

ClinVar aggregate classification (germline): Conflicting classifications of pathogenicity. Review status: criteria provided, conflicting classifications (1 of 4 stars). 2 submissions from 2 submitters: Likely pathogenic (1); Uncertain significance (1). Last evaluated 2023-03-10.

Conditions:
Niemann-Pick disease, type C1. Also called: NEUROVISCERAL STORAGE DISEASE WITH VERTICAL SUPRANUCLEAR OPHTHALMOPLEGIA; NIEMANN-PICK DISEASE WITH CHOLESTEROL ESTERIFICATION BLOCK; NIEMANN-PICK DISEASE WITHOUT SPHINGOMYELINASE DEFICIENCY; NIEMANN-PICK DISEASE, CHRONIC NEURONOPATHIC FORM; NIEMANN-PICK DISEASE, VARIANT TYPE C1. Identifiers: Orphanet 646, MedGen C3179455, MONDO:0009757, OMIM 257220.

Submissions (2):

Women's Health and Genetics/Laboratory Corporation of America, LabCorp
Classification: Uncertain significance. Last evaluated: 2023-03-10. Review status: criteria provided, single submitter. Criteria: LabCorp Variant Classification Summary - May 2015. Collection method: clinical testing. Allele origin: germline.
Comment: Variant summary: NPC1 c.551G>C (p.Cys184Ser) results in a non-conservative amino acid change located in the Niemann-Pick C1, N-terminal of the encoded protein sequence. Five of five in-silico tools predict a damaging effect of the variant on protein function. The variant was absent in 251474 control chromosomes. The available data on variant occurrences in the general population are insufficient to allow any conclusion about variant significance. To our knowledge, no occurrence of c.551G>C in individuals affected with Niemann-Pick Disease Type C and no experimental evidence demonstrating its impact on protein function have been reported. One clinical diagnostic laboratory has submitted clinical-significance assessments for this variant to ClinVar after 2014 without evidence for independent evaluation. One laboratory classified the variant as likely pathogenic. Based on the evidence outlined above, the variant was classified as uncertain significance.

CENTOGENE GmbH and LLC - Guiding Precision Medicine
Classification: Likely pathogenic for Niemann-Pick disease, type C1. Last evaluated: 2022-08-30. Review status: criteria provided, single submitter. Criteria: ACMG Guidelines, 2015. Collection method: clinical testing. Allele origin: germline. Affected: yes.

NM_000271.5(NPC1):c.551G>C (p.Cys184Ser)

Gene: NPC1 (NPC intracellular cholesterol transporter 1; minus strand). Cytogenetic location: 18q11.2.
Variant type: single nucleotide variant.
Coding change: c.551G>C on transcript NM_000271.5 (MANE Select); coding-DNA position 551, G replaced by C.
Protein change: p.Cys184Ser; replaces cysteine 184 with serine.
Molecular consequence: missense variant.
Genome position (GRCh38, 1-based): chr18:23,561,440, C>G on the plus strand (G>C on the coding strand, the complement: NPC1 is on the minus strand). VCF-style: chr18-23561440-C-G. GRCh37 (hg19) VCF-style: chr18-21141404-C-G.
Other names: short protein forms C184S.
Identifiers: ClinVar variation 1705806 (VCV001705806.2), dbSNP rs1555638882, ClinGen allele CA401782436.